The following is an entry in ClinVar:

NM_014476.6(PDLIM3):c.92G>C (p.Arg31Thr)

Gene: PDLIM3 (PDZ and LIM domain 3; minus strand). Cytogenetic location: 4q35.1.
Variant type: single nucleotide variant.
Coding change: c.92G>C on transcript NM_014476.6 (MANE Select); coding-DNA position 92, G replaced by C.
Protein change: p.Arg31Thr; replaces arginine 31 with threonine.
Molecular consequence: missense variant. On other transcripts: non-coding transcript variant (1).
Genome position (GRCh38, 1-based): chr4:185,535,343, C>G on the plus strand (G>C on the coding strand, the complement: PDLIM3 is on the minus strand). VCF-style: chr4-185535343-C-G. GRCh37 (hg19) VCF-style: chr4-186456497-C-G.
Other names: c.92G>C, p.Arg31Thr (NM_001114107.5, NM_001257962.2, NM_001257963.2); short protein forms R31T.
Identifiers: ClinVar variation 2943372 (VCV002943372.3), dbSNP rs2095751828, ClinGen allele CA358932344.

ClinVar aggregate classification (germline): Uncertain significance (1 of 4 stars; one submission).

Conditions:
Primary dilated cardiomyopathy (DCM). Also called: Dilated Cardiomyopathy. Identifiers: Orphanet 217604, MedGen C0007193, MeSH D002311, MONDO:0005021, HP:0001644. Inheritance: Various modes of inheritance.
Hypertrophic cardiomyopathy. Also called: HYPERTROPHIC MYOCARDIOPATHY. Identifiers: Orphanet 217569, MedGen C0007194, MeSH D002312, MONDO:0005045, HP:0001639.

Allele frequency attached by ClinVar (database versions not stated): TOPMed below 0.00001.

Submission:

Labcorp Genetics (formerly Invitae), Labcorp
Classification: Uncertain significance for Hypertrophic cardiomyopathy; Primary dilated cardiomyopathy. Last evaluated: 2023-10-18. Review status: criteria provided, single submitter. Criteria: Invitae Variant Classification Sherloc (09022015). Collection method: clinical testing. Allele origin: germline.
Comment: This sequence change replaces arginine, which is basic and polar, with threonine, which is neutral and polar, at codon 31 of the PDLIM3 protein (p.Arg31Thr). This variant is not present in population databases (gnomAD no frequency). This variant has not been reported in the literature in individuals affected with PDLIM3-related conditions. An algorithm developed to predict the effect of missense changes on protein structure and function (PolyPhen-2) suggests that this variant is likely to be disruptive. In summary, the available evidence is currently insufficient to determine the role of this variant in disease. Therefore, it has been classified as a Variant of Uncertain Significance.